The following is an entry in ClinVar:

NM_178857.6(RP1L1):c.5666A>T (p.Asp1889Val)

Gene: RP1L1 (RP1 like 1). Cytogenetic location: 8p23.1.
Variant type: single nucleotide variant.
Coding change: c.5666A>T on transcript NM_178857.6 (MANE Select); coding-DNA position 5666, A replaced by T.
Protein change: p.Asp1889Val; replaces aspartic acid 1889 with valine.
Molecular consequence: missense variant.
Genome position (GRCh38, 1-based): chr8:10,608,432, T>A on the plus strand (A>T on the coding strand, the complement: RP1L1 is on the minus strand). VCF-style: chr8-10608432-T-A. GRCh37 (hg19) VCF-style: chr8-10465942-T-A.
Other names: short protein forms D1889V.
Identifiers: ClinVar variation 361242 (VCV000361242.9), dbSNP rs28446662, ClinGen allele CA4623572.

ClinVar aggregate classification (germline): Benign. Review status: criteria provided, multiple submitters, no conflicts (2 of 4 stars). 5 submissions from 4 submitters: Benign (5). Last evaluated 2021-11-07.

Conditions:
Occult macular dystrophy (OCMD). Also called: OMD; OCCULT MACULAR DYSTROPHY, SUSCEPTIBILITY TO. Identifiers: Orphanet 247834, MedGen C3150833, MONDO:0013316, OMIM 613587, HP:0030636.
Retinitis pigmentosa 88. Identifiers: MedGen C5394208, MONDO:0032940, OMIM 618826.

Allele frequency attached by ClinVar (database versions not stated): ESP Exome Variant Server 0.19618; gnomAD exomes 0.22229 and 0.25906; gnomAD 0.22858 and 0.22939; 1000 Genomes Project 0.23742; ExAC 0.25007.
gnomAD v4.1: 357,850 of 1,608,600 alleles (22%); highest among the groups gnomAD compares: Admixed American, 41%; 43,140 homozygotes.

Submissions (5):

Genome-Nilou Lab
Classification: Benign for Occult macular dystrophy. Last evaluated: 2021-11-07. Review status: criteria provided, single submitter. Criteria: ACMG Guidelines, 2015. Collection method: clinical testing. Allele origin: germline. Affected: no.

Genome-Nilou Lab
Classification: Benign for Retinitis pigmentosa 88. Last evaluated: 2021-11-07. Review status: criteria provided, single submitter. Criteria: ACMG Guidelines, 2015. Collection method: clinical testing. Allele origin: germline. Affected: no.

GeneDx
Classification: Benign. Last evaluated: 2019-07-19. Review status: criteria provided, single submitter. Criteria: GeneDx Variant Classification Process June 2021. Collection method: clinical testing. Allele origin: germline. Affected: yes.

Illumina Laboratory Services, Illumina
Classification: Benign for Occult macular dystrophy. Last evaluated: 2018-01-13. Review status: criteria provided, single submitter. Criteria: ICSL Variant Classification Criteria 13 December 2019. Collection method: clinical testing. Allele origin: germline.
Comment: This variant was observed in the ICSL laboratory as part of a predisposition screen in an ostensibly healthy population. It had not been previously curated by ICSL or reported in the Human Gene Mutation Database (HGMD: prior to June 1st, 2018), and was therefore a candidate for classification through an automated scoring system. Utilizing variant allele frequency, disease prevalence and penetrance estimates, and inheritance mode, an automated score was calculated to assess if this variant is too frequent to cause the disease. Based on the score and internal cut-off values, a variant classified as benign is not then subjected to further curation. The score for this variant resulted in a classification of benign for this disease.

Breakthrough Genomics
Classification: Benign. Review status: criteria provided, single submitter. Criteria: ACMG Guidelines, 2015. Collection method: not provided. Allele origin: germline. Inheritance: Autosomal recessive inheritance. Affected: yes.